The following is an entry in ClinVar:

NM_033026.6(PCLO):c.3367del (p.Arg1123fs)

Gene: PCLO (piccolo presynaptic cytomatrix protein; minus strand). Cytogenetic location: 7q21.11.
Variant type: Deletion.
Coding change: c.3367del on transcript NM_033026.6 (MANE Select); coding-DNA position 3367, one base deleted (C; older notation c.3367delC).
Protein change: p.Arg1123fs; shifts the reading frame from arginine 1123.
Molecular consequence: frameshift variant.
Genome position (GRCh38, 1-based): chr7:82,966,421, G deleted on the plus strand (C on the coding strand, the reverse complement: PCLO is on the minus strand). VCF-style (leftmost placement, unchanged base first): chr7-82966420-CG-C. GRCh37 (hg19) VCF-style: chr7-82595736-CG-C.
Other names: c.3367del, p.Arg1123fs (NM_014510.3); short protein forms R1123fs.
Identifiers: ClinVar variation 3903223 (VCV003903223.1).

ClinVar aggregate classification (germline): Uncertain significance (1 of 4 stars; one submission).

Submission:

GeneDx
Classification: Uncertain significance. Last evaluated: 2022-04-18. Review status: criteria provided, single submitter. Criteria: GeneDx Variant Classification Process June 2021. Collection method: clinical testing. Allele origin: germline. Affected: yes.
Comment: Not observed at significant frequency in large population cohorts (gnomAD); Frameshift variant predicted to result in protein truncation or nonsense mediated decay in a gene or region of a gene for which loss of function is not a well-established mechanism of disease; Has not been previously published as pathogenic or benign to our knowledge; Variants in candidate genes are classified as variants of uncertain significance in accordance with ACMG guidelines (Richards et al., 2015)